The following is an entry in ClinVar:

ClinVar aggregate classification (germline): Uncertain significance. Review status: criteria provided, multiple submitters, no conflicts (2 of 4 stars). 3 submissions from 3 submitters: Uncertain significance (3). Last evaluated 2023-05-30.

Conditions:
Inborn genetic diseases. Identifiers: MedGen C0950123, MeSH D030342.
Spondyloenchondrodysplasia with immune dysregulation (SPENCDI). Also called: ROIFMAN IMMUNOSKELETAL SYNDROME; COMBINED IMMUNODEFICIENCY WITH AUTOIMMUNITY AND SPONDYLOMETAPHYSEAL DYSPLASIA; SPONDYLOENCHONDRODYSPLASIA WITH OR WITHOUT IMMUNE DYSREGULATION. Identifiers: Orphanet 1855, MedGen C1842763, MONDO:0011939, OMIM 607944.

Allele frequency attached by ClinVar (database versions not stated): gnomAD exomes 0.00001 and 0.00002; gnomAD 0.00002; TOPMed 0.00003; ExAC 0.00004.
gnomAD v4.1: 19 of 1,607,740 alleles (0.0012%); highest among the groups gnomAD compares: Middle Eastern, 0.02%; no homozygotes.

Submissions (3):

Blueprint Genetics
Classification: Uncertain significance. Last evaluated: 2023-05-30. Review status: criteria provided, single submitter. Criteria: ACMG Guidelines, 2015. Collection method: clinical testing. Allele origin: germline.

Labcorp Genetics (formerly Invitae), Labcorp
Classification: Uncertain significance for Spondyloenchondrodysplasia with immune dysregulation. Last evaluated: 2022-02-14. Review status: criteria provided, single submitter. Criteria: Invitae Variant Classification Sherloc (09022015). Collection method: clinical testing. Allele origin: germline.
Comment: This sequence change replaces glycine, which is neutral and non-polar, with serine, which is neutral and polar, at codon 239 of the ACP5 protein (p.Gly239Ser). This variant is present in population databases (rs762775321, gnomAD 0.004%). This variant has not been reported in the literature in individuals affected with ACP5-related conditions. ClinVar contains an entry for this variant (Variation ID: 850520). Algorithms developed to predict the effect of missense changes on protein structure and function are either unavailable or do not agree on the potential impact of this missense change (SIFT: "Not Available"; PolyPhen-2: "Probably Damaging"; Align-GVGD: "Not Available"). Algorithms developed to predict the effect of sequence changes on RNA splicing suggest that this variant may create or strengthen a splice site. In summary, the available evidence is currently insufficient to determine the role of this variant in disease. Therefore, it has been classified as a Variant of Uncertain Significance.

Ambry Genetics
Classification: Uncertain significance for Inborn genetic diseases. Last evaluated: 2020-12-28. Review status: criteria provided, single submitter. Criteria: Ambry Variant Classification Scheme 2023. Collection method: clinical testing. Allele origin: germline.
Comment: The c.715G>A (p.G239S) alteration is located in exon 6 (coding exon 3) of the ACP5 gene. This alteration results from a G to A substitution at nucleotide position 715, causing the glycine (G) at amino acid position 239 to be replaced by a serine (S). The p.G239S alteration is predicted to be deleterious by in silico analysis. Based on insufficient or conflicting evidence, the clinical significance of this alteration remains unclear.

NM_001611.5(ACP5):c.715G>A (p.Gly239Ser)

Gene: ACP5 (acid phosphatase 5, tartrate resistant; minus strand). Cytogenetic location: 19p13.2.
Variant type: single nucleotide variant.
Coding change: c.715G>A on transcript NM_001611.5 (MANE Select); coding-DNA position 715, G replaced by A.
Protein change: p.Gly239Ser; replaces glycine 239 with serine.
Molecular consequence: missense variant.
Genome position (GRCh38, 1-based): chr19:11,576,263, C>T on the plus strand (G>A on the coding strand, the complement: ACP5 is on the minus strand). VCF-style: chr19-11576263-C-T. GRCh37 (hg19) VCF-style: chr19-11687078-C-T.
Other names: c.715G>A, p.Gly239Ser (NM_001111034.3, NM_001111035.3, NM_001111036.3 and 1 more transcripts); c.715G>A (NM_001111035.1); short protein forms G239S.
Identifiers: ClinVar variation 850520 (VCV000850520.9), dbSNP rs762775321, ClinGen allele CA9215352.